The following is an entry in ClinVar:

ClinVar aggregate classification (germline): Uncertain significance. Review status: criteria provided, multiple submitters, no conflicts (2 of 4 stars). 3 submissions from 3 submitters: Uncertain significance (2). 1 of the submissions does not count toward it. Last evaluated 2024-09-05.

Conditions:
Neuronal ceroid lipofuscinosis 2. Also called: JANSKY-BIELSCHOWSKY DISEASE NEURONAL CEROID LIPOFUSCINOSIS, LATE INFANTILE; TPP1-Related Neuronal Ceroid-Lipofuscinosis. Identifiers: Orphanet 168491, Orphanet 228349, Orphanet 79264, MedGen C1876161, MONDO:0008769, OMIM 204500.

Allele frequency attached by ClinVar (database versions not stated): ExAC 0.00001.
gnomAD v4.1: 2 of 1,613,998 alleles (0.00012%); highest among the groups gnomAD compares: Non-Finnish European, 0.00017%; no homozygotes.

Submissions (3):

Labcorp Genetics (formerly Invitae), Labcorp
Classification: Uncertain significance. Last evaluated: 2024-09-05. Review status: criteria provided, single submitter. Criteria: Invitae Variant Classification Sherloc (09022015). Collection method: clinical testing. Allele origin: germline.
Comment: This sequence change replaces serine, which is neutral and polar, with phenylalanine, which is neutral and non-polar, at codon 331 of the TPP1 protein (p.Ser331Phe). This variant is present in population databases (rs755386210, gnomAD 0.003%). This variant has not been reported in the literature in individuals affected with TPP1-related conditions. ClinVar contains an entry for this variant (Variation ID: 207585). Invitae Evidence Modeling of protein sequence and biophysical properties (such as structural, functional, and spatial information, amino acid conservation, physicochemical variation, residue mobility, and thermodynamic stability) indicates that this missense variant is expected to disrupt TPP1 protein function with a positive predictive value of 95%. In summary, the available evidence is currently insufficient to determine the role of this variant in disease. Therefore, it has been classified as a Variant of Uncertain Significance.

GeneDx
Classification: Uncertain significance. Last evaluated: 2013-08-07. Review status: criteria provided, single submitter. Criteria: GeneDx Variant Classification (06012015). Collection method: clinical testing. Allele origin: germline. Affected: yes.
Comment: p.Ser331Phe (TCC>TTC): c.992 C>T in exon 8 of the TPP1 gene (NM_000391.3) The Ser331Phe missense change has not been published as a mutation, nor has it been reported as a benign polymorphism to our knowledge. It was not observed in approximately 6,500 individuals of European and African American ancestry in the NHLBI Exome Sequencing Project, indicating it is not a common benign variant in these populations. This variant is a non-conservative amino acid substitution of a polar Serine residue with a non-polar Phenylalanine residue at a position that is conserved across species. In addition, other missense mutations at nearby codons have been reported in association with neuronal ceroid lipofuscinosis. However, in silico analysis is inconsistent with regard to the effect this variant may have on the protein structure/function. Therefore, based on the currently available information, it is unclear whether Ser331Phe is a disease-causing mutation or a rare benign variant. The variant is found in EPILEPSY panel(s).

Natera, Inc.
Classification: Uncertain significance for Neuronal ceroid lipofuscinosis 2. Last evaluated: 2019-11-11. Review status: no assertion criteria provided. Collection method: clinical testing. Allele origin: germline. Not counted in ClinVar's aggregate classification.

NM_000391.4(TPP1):c.992C>T (p.Ser331Phe)

Gene: TPP1 (tripeptidyl peptidase 1; minus strand). Cytogenetic location: 11p15.4.
Variant type: single nucleotide variant.
Coding change: c.992C>T on transcript NM_000391.4 (MANE Select); coding-DNA position 992, C replaced by T.
Protein change: p.Ser331Phe; replaces serine 331 with phenylalanine.
Molecular consequence: missense variant.
Genome position (GRCh38, 1-based): chr11:6,616,398, G>A on the plus strand (C>T on the coding strand, the complement: TPP1 is on the minus strand). VCF-style: chr11-6616398-G-A. GRCh37 (hg19) VCF-style: chr11-6637629-G-A.
Other names: p.S331F:TCC>TTC; short protein forms S331F.
Identifiers: ClinVar variation 207585 (VCV000207585.11), dbSNP rs755386210, ClinGen allele CA319196.
Genomic context (GRCh38, chr11:6,616,398, plus strand): 5'-CCCCGAGCGGCAGCCTTCATGAGCTCAGTGTTGACCCGCTGGATGTAGGCGCTGCTGAGG[G>A]AGTCCTCATCATCTCCATAGCTCACAGTATGCACATGTGGCAGGGCTGACTCATTACTGA-3'
Protein context (NP_000382.3, residues 321-341): HTVSYGDDED[Ser331Phe]LSSAYIQRVN